The following is an entry in ClinVar:

ClinVar aggregate classification (germline): Pathogenic (1 of 4 stars; one submission).

Submission:

Labcorp Genetics (formerly Invitae), Labcorp
Classification: Pathogenic. Last evaluated: 2025-10-07. Review status: criteria provided, single submitter. Criteria: Invitae Variant Classification Sherloc (09022015). Collection method: clinical testing. Allele origin: germline.
Comment: This sequence change affects an acceptor splice site in intron 21 of the COL2A1 gene. It is expected to disrupt RNA splicing. Variants that disrupt the donor or acceptor splice site typically lead to a loss of protein function (PMID: 16199547), and loss-of-function variants in COL2A1 are known to be pathogenic (PMID: 20179744). This variant is not present in population databases (gnomAD no frequency). Disruption of this splice site has been observed in individuals with clinical features of Stickler syndrome (PMID: 26626311, 30181686). Algorithms developed to predict the effect of sequence changes on RNA splicing suggest that this variant may disrupt the consensus splice site. For these reasons, this variant has been classified as Pathogenic.

Literature cited by the submitters: PubMed 16199547; PubMed 20179744; PubMed 26626311; PubMed 30181686.

NM_001844.5(COL2A1):c.1366-2A>C

Gene: COL2A1 (collagen type II alpha 1 chain; minus strand). Cytogenetic location: 12q13.11.
Variant type: single nucleotide variant.
Coding change: c.1366-2A>C on transcript NM_001844.5 (MANE Select); the canonical splice acceptor site of the intron before coding-DNA position 1366, A replaced by C.
Molecular consequence: splice acceptor variant.
Genome position (GRCh38, 1-based): chr12:47,986,890, T>G on the plus strand (A>C on the coding strand, the complement: COL2A1 is on the minus strand). VCF-style: chr12-47986890-T-G. GRCh37 (hg19) VCF-style: chr12-48380673-T-G.
Other names: c.1159-2A>C (NM_033150.3).
Identifiers: ClinVar variation 4728317 (VCV004728317.1).
Genomic context (GRCh38, chr12:47,986,890, plus strand): 5'-CTCACAGGTTCTCCCTTGGGGCCTTGTTCACCTTTGAAGCCAGCAATACCAGGTTCACCC[T>G]TGAAAAGAGAGGCAGGTCCTCACACCAGATTCTCTCCAGGGAGCCTGCCCCTCCCCAGAA-3'